The following is an entry in ClinVar:

NM_000051.4(ATM):c.6779T>C (p.Ile2260Thr)

Genes: ATM (ATM serine/threonine kinase; plus strand), C11orf65 (chromosome 11 open reading frame 65; minus strand). Cytogenetic location: 11q22.3.
Variant type: single nucleotide variant.
Coding change: c.6779T>C on transcript NM_000051.4 (MANE Select); coding-DNA position 6779, T replaced by C.
Protein change: p.Ile2260Thr; replaces isoleucine 2260 with threonine.
Molecular consequence: missense variant. On other transcripts: intron variant (2).
Genome position (GRCh38, 1-based): chr11:108,325,516, T>C. VCF-style: chr11-108325516-T-C. GRCh37 (hg19) VCF-style: chr11-108196243-T-C.
Other names: c.6779T>C, p.Ile2260Thr (NM_001351834.2); c.641-16445A>G (NM_001330368.2); c.*38+9704A>G (NM_001351110.2); short protein forms I2260T.
Identifiers: ClinVar variation 2727019 (VCV002727019.3), dbSNP rs2136317863, ClinGen allele CA382555451.
Genomic context (GRCh38, chr11:108,325,516, plus strand): 5'-ACAACTCACAAAGAGAATGTATTAAGGACATTCTCACCAAACACCTTGTAGAACTCTCTA[T>C]ACTGGCCAGAACTTTCAAGAACACTCAGGTAAATACAATTTAAAACTATGTCATCTTACC-3'
Protein context (NP_000042.3, residues 2250-2270): ILTKHLVELS[Ile2260Thr]LARTFKNTQL

ClinVar aggregate classification (germline): Uncertain significance (1 of 4 stars; one submission).

Conditions:
Ataxia-telangiectasia syndrome (AT). Also called: LOUIS-BAR SYNDROME; Cerebello-oculocutaneous telangiectasia; Immunodeficiency with ataxia telangiectasia; Ataxia telangiectasia (A-T); Ataxia-telangiectasia, complementation group D; AT, COMPLEMENTATION GROUP C. Identifiers: Orphanet 100, MedGen C0004135, MONDO:0008840, OMIM 208900.

Allele frequency attached by ClinVar (database versions not stated): gnomAD exomes below 0.00001.
gnomAD v4.1: 1 of 1,611,604 alleles (0.000062%); highest among the groups gnomAD compares: Non-Finnish European, 0.000085%; no homozygotes.

Submission:

Labcorp Genetics (formerly Invitae), Labcorp
Classification: Uncertain significance for Ataxia-telangiectasia syndrome. Last evaluated: 2023-06-24. Review status: criteria provided, single submitter. Criteria: Invitae Variant Classification Sherloc (09022015). Collection method: clinical testing. Allele origin: germline.
Comment: This sequence change replaces isoleucine, which is neutral and non-polar, with threonine, which is neutral and polar, at codon 2260 of the ATM protein (p.Ile2260Thr). This variant is not present in population databases (gnomAD no frequency). In summary, the available evidence is currently insufficient to determine the role of this variant in disease. Therefore, it has been classified as a Variant of Uncertain Significance. Algorithms developed to predict the effect of missense changes on protein structure and function output the following: SIFT: "Not Available"; PolyPhen-2: "Benign"; Align-GVGD: "Not Available". The threonine amino acid residue is found in multiple mammalian species, which suggests that this missense change does not adversely affect protein function. This variant has not been reported in the literature in individuals affected with ATM-related conditions.